The following is an entry in ClinVar:

ClinVar aggregate classification (germline): Conflicting classifications of pathogenicity. Review status: criteria provided, conflicting classifications (1 of 4 stars). 4 submissions from 4 submitters: Uncertain significance (3); Likely benign (1). Last evaluated 2026-08-13.

Conditions:
Hereditary nonpolyposis colorectal neoplasms. Identifiers: MedGen C0009405, MeSH D003123.
Hereditary cancer-predisposing syndrome. Also called: Neoplastic Syndromes, Hereditary; Hereditary Cancer Syndrome; Tumor predisposition; Hereditary neoplastic syndrome. Identifiers: Orphanet 140162, MedGen C0027672, MeSH D009386, MONDO:0015356.
Lynch syndrome. Identifiers: Orphanet 144, MedGen C4552100, MONDO:0005835. Disease mechanism: loss of function.

Allele frequency attached by ClinVar (database versions not stated): gnomAD exomes 0.00001; ExAC 0.00002.
gnomAD v4.1: 3 of 1,614,160 alleles (0.00019%); highest among the groups gnomAD compares: South Asian, 0.0033%; no homozygotes.

Submissions (4):

Ambry Genetics
Classification: Likely benign for Hereditary cancer-predisposing syndrome. Last evaluated: 2026-08-13. Review status: criteria provided, single submitter. Criteria: Ambry Variant Classification Scheme 2023. Collection method: clinical testing. Allele origin: germline.

Labcorp Genetics (formerly Invitae), Labcorp
Classification: Uncertain significance for Hereditary nonpolyposis colorectal neoplasms. Last evaluated: 2025-12-01. Review status: criteria provided, single submitter. Criteria: Invitae Variant Classification Sherloc (09022015). Collection method: clinical testing. Allele origin: germline.
Comment: This sequence change replaces serine, which is neutral and polar, with asparagine, which is neutral and polar, at codon 478 of the PMS2 protein (p.Ser478Asn). This variant is present in population databases (rs748643694, gnomAD 0.006%). This variant has not been reported in the literature in individuals affected with PMS2-related conditions. ClinVar contains an entry for this variant (Variation ID: 924967). Invitae Evidence Modeling incorporating data from in vitro experimental studies (internal data) indicates that this missense variant is not expected to disrupt PMS2 function with a negative predictive value of 95%. In summary, the available evidence is currently insufficient to determine the role of this variant in disease. Therefore, it has been classified as a Variant of Uncertain Significance.

All of Us Research Program, National Institutes of Health
Classification: Uncertain significance for Lynch syndrome. Last evaluated: 2023-08-28. Review status: criteria provided, single submitter. Criteria: ACMG Guidelines, 2015. Collection method: clinical testing. Allele origin: germline. Inheritance: Autosomal dominant inheritance. Observed: 1 variant allele, 1 heterozygote.
Comment: This missense variant replaces serine with asparagine at codon 478 of the PMS2 protein. Computational prediction suggests that this variant may not impact protein structure and function (internally defined REVEL score threshold <= 0.5, PMID: 27666373). To our knowledge, functional studies have not been reported for this variant. This variant has not been reported in individuals affected with PMS2-related disorders in the literature. This variant has been identified in 2/251490 chromosomes in the general population by the Genome Aggregation Database (gnomAD). The available evidence is insufficient to determine the role of this variant in disease conclusively. Therefore, this variant is classified as a Variant of Uncertain Significance.

This study involves interpretation of variants in research participants for the purpose of population health screening. Participant phenotype was not available at the time of variant classification. Additional details can be found in publication PMID: 35346344, PMCID: PMC8962531

Color Diagnostics, LLC DBA Color Health
Classification: Uncertain significance for Hereditary cancer-predisposing syndrome. Last evaluated: 2023-08-17. Review status: criteria provided, single submitter. Criteria: ACMG Guidelines, 2015. Collection method: clinical testing. Allele origin: germline.
Comment: This missense variant replaces serine with asparagine at codon 478 of the PMS2 protein. Computational prediction suggests that this variant may not impact protein structure and function (internally defined REVEL score threshold <= 0.5, PMID: 27666373). To our knowledge, functional studies have not been reported for this variant. This variant has not been reported in individuals affected with PMS2-related disorders in the literature. This variant has been identified in 2/251490 chromosomes in the general population by the Genome Aggregation Database (gnomAD). The available evidence is insufficient to determine the role of this variant in disease conclusively. Therefore, this variant is classified as a Variant of Uncertain Significance.

NM_000535.7(PMS2):c.1433G>A (p.Ser478Asn)

Gene: PMS2 (PMS1 homolog 2, mismatch repair system component; minus strand). Cytogenetic location: 7p22.1.
Variant type: single nucleotide variant.
Coding change: c.1433G>A on transcript NM_000535.7 (MANE Select); coding-DNA position 1433, G replaced by A.
Protein change: p.Ser478Asn; replaces serine 478 with asparagine.
Molecular consequence: missense variant. On other transcripts: non-coding transcript variant (1).
Genome position (GRCh38, 1-based): chr7:5,987,332, C>T on the plus strand (G>A on the coding strand, the complement: PMS2 is on the minus strand). VCF-style: chr7-5987332-C-T. GRCh37 (hg19) VCF-style: chr7-6026963-C-T.
Other names: c.1028G>A, p.Ser343Asn (NM_001322003.2, NM_001322004.2, NM_001322005.2 and 1 more transcripts); c.1277G>A, p.Ser426Asn (NM_001322006.2); c.1115G>A, p.Ser372Asn (NM_001322007.2, NM_001322008.2); c.872G>A, p.Ser291Asn (NM_001322010.2); c.500G>A, p.Ser167Asn (NM_001322011.2, NM_001322012.2); c.860G>A, p.Ser287Asn (NM_001322013.2); c.1433G>A, p.Ser478Asn (NM_001322014.2); c.1124G>A, p.Ser375Asn (NM_001322015.2); short protein forms S167N, S291N, S375N, S287N, S343N, S426N, S372N, S478N.
Identifiers: ClinVar variation 924967 (VCV000924967.10), dbSNP rs748643694, ClinGen allele CA043530.
Genomic context (GRCh38, chr7:5,987,332, plus strand): 5'-CTGCCGTGCCCCGAGTCCTTCTCCACCTCCGCTCTGTCCGTAGGGTCACTGGGTCCGTGA[C>T]TGGAACTCACTGCCTCTTTCTGAGGTCTCAGGACGCCTTTGTCAGAGATGGCACCTGAAG-3'
Protein context (NP_000526.2, residues 468-488): LRPQKEAVSS[Ser478Asn]HGPSDPTDRA